The following is an entry in ClinVar:

ClinVar aggregate classification (germline): Conflicting classifications of pathogenicity. Review status: criteria provided, conflicting classifications (1 of 4 stars). 5 submissions from 5 submitters: Uncertain significance (2); Benign (1); Likely benign (1). 1 of the submissions does not count toward it. Last evaluated 2024-11-27.

Conditions:
Inborn genetic diseases. Identifiers: MedGen C0950123, MeSH D030342.
Cornelia de Lange syndrome 1 (CDLS1). Also called: Brachmann de Lange syndrome; NIPBL-Related Cornelia de Lange Syndrome; TYPUS DEGENERATIVUS AMSTELODAMENSIS. Identifiers: Orphanet 199, MedGen C4551851, MONDO:0007387, OMIM 122470.

Allele frequency attached by ClinVar (database versions not stated): gnomAD exomes 0.00001 and 0.00002; gnomAD 0.00013 and 0.00015; ESP Exome Variant Server 0.00015; TOPMed 0.00025.
gnomAD v4.1: 37 of 1,613,928 alleles (0.0023%); highest among the groups gnomAD compares: African/African-American, 0.047%; no homozygotes.

Submissions (5):

Labcorp Genetics (formerly Invitae), Labcorp
Classification: Uncertain significance for Cornelia de Lange syndrome 1. Last evaluated: 2024-11-27. Review status: criteria provided, single submitter. Criteria: Invitae Variant Classification Sherloc (09022015). Collection method: clinical testing. Allele origin: germline.
Comment: This sequence change replaces aspartic acid, which is acidic and polar, with tyrosine, which is neutral and polar, at codon 2160 of the NIPBL protein (p.Asp2160Tyr). This variant is present in population databases (rs147054690, gnomAD 0.02%). This variant has not been reported in the literature in individuals affected with NIPBL-related conditions. ClinVar contains an entry for this variant (Variation ID: 159195). Invitae Evidence Modeling of protein sequence and biophysical properties (such as structural, functional, and spatial information, amino acid conservation, physicochemical variation, residue mobility, and thermodynamic stability) has been performed for this missense variant. However, the output from this modeling did not meet the statistical confidence thresholds required to predict the impact of this variant on NIPBL protein function. In summary, the available evidence is currently insufficient to determine the role of this variant in disease. Therefore, it has been classified as a Variant of Uncertain Significance.

Women's Health and Genetics/Laboratory Corporation of America, LabCorp
Classification: Uncertain significance. Last evaluated: 2023-05-04. Review status: criteria provided, single submitter. Criteria: LabCorp Variant Classification Summary - May 2015. Collection method: clinical testing. Allele origin: germline.
Comment: Variant summary: NIPBL c.6478G>T (p.Asp2160Tyr) results in a non-conservative amino acid change in the encoded protein sequence. Four of five in-silico tools predict a damaging effect of the variant on protein function. The variant allele was found at a frequency of 1.6e-05 in 251388 control chromosomes (gnomAD). The available data on variant occurrences in the general population are insufficient to allow any conclusion about variant significance. To our knowledge, no occurrence of c.6478G>T in individuals affected with Cornelia De Lange Syndrome 1 and no experimental evidence demonstrating its impact on protein function have been reported. Three ClinVar submitters have assessed the variant since 2014: one classified the variant as uncertain significance, one as likely benign, and one as benign. Based on the evidence outlined above, the variant was classified as uncertain significance.

Ambry Genetics
Classification: Likely benign for Inborn genetic diseases. Last evaluated: 2022-11-09. Review status: criteria provided, single submitter. Criteria: Ambry Variant Classification Scheme 2023. Collection method: clinical testing. Allele origin: germline.

Mendelics
Classification: Benign. Last evaluated: 2022-05-04. Review status: criteria provided, single submitter. Criteria: Mendelics Assertion Criteria 2019. Collection method: clinical testing. Allele origin: germline.

Genetic Services Laboratory, University of Chicago
Classification: Likely pathogenic for Cornelia de Lange syndrome 1. Last evaluated: 2013-02-08. Review status: flagged submission. Criteria: ACMG Guidelines, 2007. Collection method: clinical testing. Allele origin: germline. Inheritance: Autosomal dominant inheritance. Affected: yes. Not counted in ClinVar's aggregate classification.
ClinVar note: Reason: Older and outlier claim with insufficient supporting evidence

NM_133433.4(NIPBL):c.6478G>T (p.Asp2160Tyr)

Gene: NIPBL (NIPBL cohesin loading factor; plus strand). Cytogenetic location: 5p13.2.
Variant type: single nucleotide variant.
Coding change: c.6478G>T on transcript NM_133433.4 (MANE Select); coding-DNA position 6478, G replaced by T.
Protein change: p.Asp2160Tyr; replaces aspartic acid 2160 with tyrosine.
Molecular consequence: missense variant.
Genome position (GRCh38, 1-based): chr5:37,045,577, G>T. VCF-style: chr5-37045577-G-T. GRCh37 (hg19) VCF-style: chr5-37045679-G-T.
Other names: c.6478G>T, p.Asp2160Tyr (NM_015384.5); short protein forms D2160Y.
Identifiers: ClinVar variation 159195 (VCV000159195.13), dbSNP rs147054690, ClinGen allele CA272230.